The following is an entry in ClinVar:

ClinVar aggregate classification (germline): Uncertain significance. Review status: criteria provided, multiple submitters, no conflicts (2 of 4 stars). 3 submissions from 3 submitters: Uncertain significance (3). Last evaluated 2024-01-12.

Conditions:
Rienhoff syndrome. Also called: LOEYS-DIETZ SYNDROME 5. Identifiers: MedGen C3810012, MONDO:0014262, OMIM 615582.
Familial thoracic aortic aneurysm and aortic dissection (TAAD). Also called: Thoracic aortic aneurysms and dissections. Identifiers: Orphanet 91387, MedGen C4707243, MONDO:0019625.

Allele frequency attached by ClinVar (database versions not stated): TOPMed below 0.00001.
gnomAD v4.1: 9 of 1,614,170 alleles (0.00056%); highest among the groups gnomAD compares: South Asian, 0.0022%; no homozygotes.

Submissions (3):

Blueprint Genetics
Classification: Uncertain significance. Last evaluated: 2024-01-12. Review status: criteria provided, single submitter. Criteria: ACMG Guidelines, 2015. Collection method: clinical testing. Allele origin: germline.

Labcorp Genetics (formerly Invitae), Labcorp
Classification: Uncertain significance for Rienhoff syndrome. Last evaluated: 2023-05-17. Review status: criteria provided, single submitter. Criteria: Invitae Variant Classification Sherloc (09022015). Collection method: clinical testing. Allele origin: germline.
Comment: This sequence change replaces arginine, which is basic and polar, with histidine, which is basic and polar, at codon 352 of the TGFB3 protein (p.Arg352His). This variant is present in population databases (rs755894337, gnomAD 0.007%). This variant has not been reported in the literature in individuals affected with TGFB3-related conditions. ClinVar contains an entry for this variant (Variation ID: 520205). Advanced modeling of protein sequence and biophysical properties (such as structural, functional, and spatial information, amino acid conservation, physicochemical variation, residue mobility, and thermodynamic stability) performed at Invitae indicates that this missense variant is not expected to disrupt TGFB3 protein function. In summary, the available evidence is currently insufficient to determine the role of this variant in disease. Therefore, it has been classified as a Variant of Uncertain Significance.

Ambry Genetics
Classification: Uncertain significance for Familial thoracic aortic aneurysm and aortic dissection. Last evaluated: 2016-09-15. Review status: criteria provided, single submitter. Criteria: Ambry Variant Classification Scheme 2023. Collection method: clinical testing. Allele origin: germline.
Comment: The p.R352H variant (also known as c.1055G>A), located in coding exon 6 of the TGFB3 gene, results from a G to A substitution at nucleotide position 1055. The arginine at codon 352 is replaced by histidine, an amino acid with highly similar properties. Based on data from ExAC, the A allele has an overall frequency less than 0.01% (1/106184). This variant was not reported in population based cohorts in the following databases: Database of Single Nucleotide Polymorphisms (dbSNP), NHLBI Exome Sequencing Project (ESP), and 1000 Genomes Project. In the ESP, this variant was not observed in 6503 samples (13006 alleles) with coverage at this position. This amino acid position is well conserved in available vertebrate species. In addition, this alteration is predicted to be tolerated by in silico analysis. Since supporting evidence is limited at this time, the clinical significance of this alteration remains unclear.

NM_003239.5(TGFB3):c.1055G>A (p.Arg352His)

Gene: TGFB3 (transforming growth factor beta 3; minus strand). Cytogenetic location: 14q24.3.
Variant type: single nucleotide variant.
Coding change: c.1055G>A on transcript NM_003239.5 (MANE Select); coding-DNA position 1055, G replaced by A.
Protein change: p.Arg352His; replaces arginine 352 with histidine.
Molecular consequence: missense variant.
Genome position (GRCh38, 1-based): chr14:75,960,948, C>T on the plus strand (G>A on the coding strand, the complement: TGFB3 is on the minus strand). VCF-style: chr14-75960948-C-T. GRCh37 (hg19) VCF-style: chr14-76427291-C-T.
Other names: c.1055G>A, p.Arg352His (NM_001329939.2); short protein forms R352H.
Identifiers: ClinVar variation 520205 (VCV000520205.14), dbSNP rs755894337, ClinGen allele CA7280280.